The following is an entry in ClinVar:

ClinVar aggregate classification (germline): Conflicting classifications of pathogenicity. Review status: criteria provided, conflicting classifications (1 of 4 stars). 4 submissions from 4 submitters: Uncertain significance (1); Likely benign (3). Last evaluated 2026-06-01.

Conditions:
Spermatogenic failure 18. Identifiers: MedGen C4539783, MONDO:0054615, OMIM 617576.
Ciliary dyskinesia, primary, 37 (CILD37). Also called: CILIARY DYSKINESIA, PRIMARY, 37, WITH OR WITHOUT SITUS INVERSUS. Identifiers: MedGen C4539798, MONDO:0033204, OMIM 617577.
DNAH1-related disorder. Also called: DNAH1-related condition.

Allele frequency attached by ClinVar (database versions not stated): gnomAD 0.00001; TOPMed 0.00004; ESP Exome Variant Server 0.00016; gnomAD exomes 0.00019; ExAC 0.00026.
gnomAD v4.1: 115 of 1,575,214 alleles (0.0073%); highest among the groups gnomAD compares: South Asian, 0.089%; 2 homozygotes.

Submissions (4):

PreventionGenetics, part of Exact Sciences
Classification: Likely benign for DNAH1-related condition. Last evaluated: 2026-06-01. Review status: criteria provided, single submitter. Criteria: ACMG Guidelines, 2015. Collection method: clinical testing. Allele origin: germline.
Comment: This variant is classified as likely benign based on ACMG/AMP sequence variant interpretation guidelines (Richards et al. 2015 PMID: 25741868, with internal and published modifications).

Labcorp Genetics (formerly Invitae), Labcorp
Classification: Uncertain significance for Ciliary dyskinesia, primary, 37; Spermatogenic failure 18. Last evaluated: 2025-06-23. Review status: criteria provided, single submitter. Criteria: Invitae Variant Classification Sherloc (09022015). Collection method: clinical testing. Allele origin: germline.
Comment: This sequence change falls in intron 49 of the DNAH1 gene. It does not directly change the encoded amino acid sequence of the DNAH1 protein. It affects a nucleotide within the consensus splice site. This variant is present in population databases (rs370368596, gnomAD 0.1%). This variant has not been reported in the literature in individuals affected with DNAH1-related conditions. ClinVar contains an entry for this variant (Variation ID: 386812). Variants that disrupt the consensus splice site are a relatively common cause of aberrant splicing (PMID: 17576681, 9536098). Algorithms developed to predict the effect of sequence changes on RNA splicing suggest that this variant is not likely to affect RNA splicing. In summary, the available evidence is currently insufficient to determine the role of this variant in disease. Therefore, it has been classified as a Variant of Uncertain Significance.

Blueprint Genetics
Classification: Likely benign. Last evaluated: 2024-11-19. Review status: criteria provided, single submitter. Criteria: ACMG Guidelines, 2015. Collection method: clinical testing. Allele origin: germline.

GeneDx
Classification: Likely benign. Last evaluated: 2016-06-03. Review status: criteria provided, single submitter. Criteria: GeneDx Variant Classification (06012015). Collection method: clinical testing. Allele origin: germline. Affected: yes.
Comment: This variant is considered likely benign or benign based on one or more of the following criteria: it is a conservative change, it occurs at a poorly conserved position in the protein, it is predicted to be benign by multiple in silico algorithms, and/or has population frequency not consistent with disease.

Literature cited by the submitters: PubMed 17576681 (cited by Labcorp Genetics (formerly Invitae), Labcorp); PubMed 9536098 (cited by Labcorp Genetics (formerly Invitae), Labcorp).

NM_015512.5(DNAH1):c.7805+6C>T

Gene: DNAH1 (dynein axonemal heavy chain 1; plus strand). Cytogenetic location: 3p21.1.
Variant type: single nucleotide variant.
Coding change: c.7805+6C>T on transcript NM_015512.5 (MANE Select); 6 bases into the intron after coding-DNA position 7805, C replaced by T.
Molecular consequence: intron variant.
Genome position (GRCh38, 1-based): chr3:52,381,842, C>T. VCF-style: chr3-52381842-C-T. GRCh37 (hg19) VCF-style: chr3-52415858-C-T.
Identifiers: ClinVar variation 386812 (VCV000386812.9), dbSNP rs370368596, ClinGen allele CA2434975.